The following is an entry in ClinVar:

NM_006662.3(SRCAP):c.4079C>T (p.Thr1360Ile)

Gene: SRCAP (Snf2 related CREBBP activator protein; plus strand). Cytogenetic location: 16p11.2.
Variant type: single nucleotide variant.
Coding change: c.4079C>T on transcript NM_006662.3 (MANE Select); coding-DNA position 4079, C replaced by T.
Protein change: p.Thr1360Ile; replaces threonine 1360 with isoleucine.
Molecular consequence: missense variant.
Genome position (GRCh38, 1-based): chr16:30,723,149, C>T. VCF-style: chr16-30723149-C-T. GRCh37 (hg19) VCF-style: chr16-30734470-C-T.
Other names: short protein forms T1360I.
Identifiers: ClinVar variation 728687 (VCV000728687.11), dbSNP rs202028788, ClinGen allele CA8011657.
Genomic context (GRCh38, chr16:30,723,149, plus strand): 5'-CTGTGTTGAATCCACGCCCCACGTTAACCCCTGGCCGGCTACCCACACCTACTCTGGGTA[C>T]TGCTCGAGCCCCCATGCCCACACCCACTCTGGTGAGGCCTCTTCTCAAGCTGGTCCACAG-3'
Protein context (NP_006653.2, residues 1350-1370): PGRLPTPTLG[Thr1360Ile]ARAPMPTPTL

ClinVar aggregate classification (germline): Likely benign. Review status: criteria provided, multiple submitters, no conflicts (2 of 4 stars). 2 submissions from 2 submitters: Likely benign (2). Last evaluated 2026-06-05.

Allele frequency attached by ClinVar (database versions not stated): gnomAD exomes 0.00006 and 0.00022; gnomAD 0.00013 and 0.00017; ExAC 0.00022; TOPMed 0.00022; 1000 Genomes Project 0.00060; 1000 Genomes Project 30x 0.00062.
gnomAD v4.1: 128 of 1,614,154 alleles (0.0079%); highest among the groups gnomAD compares: East Asian, 0.21%; 1 homozygote.

Submissions (2):

Women's Health and Genetics/Laboratory Corporation of America, LabCorp
Classification: Likely benign. Last evaluated: 2026-06-05. Review status: criteria provided, single submitter. Criteria: LabCorp Variant Classification Summary - May 2015. Collection method: clinical testing. Allele origin: germline.
Comment: Variant summary: SRCAP c.4079C>T (p.Thr1360Ile) results in a non-conservative amino acid change in the encoded protein sequence. Algorithms developed to predict the effect of missense changes on protein structure and function are either unavailable or do not agree on the potential impact of this missense change. The variant allele was found at a frequency of 0.00022 in 251384 control chromosomes, predominantly at a frequency of 0.0029 within the East Asian subpopulation in the gnomAD database. The observed variant frequency within East Asian control individuals in the gnomAD database exceeds the estimated maximal expected allele frequency for disease-causing variants in SRCAP. To our knowledge, no occurrence of c.4079C>T in individuals affected with SRCAP-related conditions and no experimental evidence demonstrating its impact on protein function have been reported. ClinVar contains an entry for this variant (Variation ID: 728687). Based on the evidence outlined above, the variant was classified as likely benign.

Labcorp Genetics (formerly Invitae), Labcorp
Classification: Likely benign. Last evaluated: 2025-05-05. Review status: criteria provided, single submitter. Criteria: Invitae Variant Classification Sherloc (09022015). Collection method: clinical testing. Allele origin: germline.